The following is an entry in ClinVar:

ClinVar aggregate classification (germline): Uncertain significance. Review status: criteria provided, multiple submitters, no conflicts (2 of 4 stars). 5 submissions from 5 submitters: Uncertain significance (5). Last evaluated 2026-02-11.

Conditions:
Tuberous sclerosis 2 (TSC2). Identifiers: Orphanet 805, MedGen C1860707, MONDO:0013199, OMIM 613254.
Hereditary cancer-predisposing syndrome. Also called: Tumor predisposition; Neoplastic Syndromes, Hereditary; Hereditary Cancer Syndrome; Hereditary neoplastic syndrome. Identifiers: Orphanet 140162, MedGen C0027672, MeSH D009386, MONDO:0015356.
Tuberous sclerosis syndrome (TSC). Also called: Tuberous Sclerosis Complex; Tuberous sclerosis. Identifiers: Orphanet 805, MedGen C0041341, MONDO:0001734.

Allele frequency attached by ClinVar (database versions not stated): TOPMed below 0.00001.

Submissions (5):

Women's Health and Genetics/Laboratory Corporation of America, LabCorp
Classification: Uncertain significance. Last evaluated: 2026-02-11. Review status: criteria provided, single submitter. Criteria: LabCorp Variant Classification Summary - May 2015. Collection method: clinical testing. Allele origin: germline.
Comment: Variant summary: TSC2 c.4405T>G (p.Ser1469Ala) results in a conservative amino acid change in the encoded protein sequence. Algorithms developed to predict the effect of missense changes on protein structure and function are either unavailable or do not agree on the potential impact of this missense change. The variant was absent in 238230 control chromosomes. The available data on variant occurrences in the general population are insufficient to allow any conclusion about variant significance. To our knowledge, no occurrence of c.4405T>G in individuals affected with TSC2-related conditions and no experimental evidence demonstrating its impact on protein function have been reported. ClinVar contains an entry for this variant (Variation ID: 843357). Based on the evidence outlined above, the variant was classified as uncertain significance.

Ambry Genetics
Classification: Uncertain significance for Hereditary cancer-predisposing syndrome. Last evaluated: 2025-01-15. Review status: criteria provided, single submitter. Criteria: Ambry Variant Classification Scheme 2023. Collection method: clinical testing. Allele origin: germline.
Comment: The p.S1469A variant (also known as c.4405T>G), located in coding exon 33 of the TSC2 gene, results from a T to G substitution at nucleotide position 4405. The serine at codon 1469 is replaced by alanine, an amino acid with similar properties. This amino acid position is well conserved in available vertebrate species. In addition, the in silico prediction for this alteration is inconclusive. Based on the available evidence, the clinical significance of this variant remains unclear.

Greenwood Genetic Center Diagnostic Laboratories, Greenwood Genetic Center
Classification: Uncertain significance. Last evaluated: 2025-01-08. Review status: criteria provided, single submitter. Criteria: ACMG Guidelines, 2015. Collection method: clinical testing. Allele origin: germline.
Comment: PM2

Labcorp Genetics (formerly Invitae), Labcorp
Classification: Uncertain significance for Tuberous sclerosis 2. Last evaluated: 2024-06-12. Review status: criteria provided, single submitter. Criteria: Invitae Variant Classification Sherloc (09022015). Collection method: clinical testing. Allele origin: germline.
Comment: This sequence change replaces serine, which is neutral and polar, with alanine, which is neutral and non-polar, at codon 1469 of the TSC2 protein (p.Ser1469Ala). This variant is not present in population databases (gnomAD no frequency). This variant has not been reported in the literature in individuals affected with TSC2-related conditions. ClinVar contains an entry for this variant (Variation ID: 843357). Advanced modeling of protein sequence and biophysical properties (such as structural, functional, and spatial information, amino acid conservation, physicochemical variation, residue mobility, and thermodynamic stability) performed at Invitae indicates that this missense variant is not expected to disrupt TSC2 protein function with a negative predictive value of 95%. In summary, the available evidence is currently insufficient to determine the role of this variant in disease. Therefore, it has been classified as a Variant of Uncertain Significance.

All of Us Research Program, National Institutes of Health
Classification: Uncertain significance for Tuberous sclerosis syndrome. Last evaluated: 2023-11-30. Review status: criteria provided, single submitter. Criteria: ACMG Guidelines, 2015. Collection method: clinical testing. Allele origin: germline. Inheritance: Autosomal dominant inheritance. Observed: 2 variant alleles, 2 heterozygotes.
Comment: This missense variant replaces serine with alanine at codon 1469 of the TSC2 protein. Computational prediction suggests that this variant may not impact protein structure and function (internally defined REVEL score threshold <= 0.5, PMID: 27666373). To our knowledge, functional studies have not been reported for this variant. This variant has not been reported in individuals affected with TSC2-related disorders in the literature. This variant has not been identified in the general population by the Genome Aggregation Database (gnomAD). The available evidence is insufficient to determine the role of this variant in disease conclusively. Therefore, this variant is classified as a Variant of Uncertain Significance.

This study involves interpretation of variants in research participants for the purpose of population health screening. Participant phenotype was not available at the time of variant classification. Additional details can be found in publication PMID: 35346344, PMCID: PMC8962531

NM_000548.5(TSC2):c.4405T>G (p.Ser1469Ala)

Gene: TSC2 (TSC complex subunit 2; plus strand). Cytogenetic location: 16p13.3.
Variant type: single nucleotide variant.
Coding change: c.4405T>G on transcript NM_000548.5 (MANE Select); coding-DNA position 4405, T replaced by G.
Protein change: p.Ser1469Ala; replaces serine 1469 with alanine.
Molecular consequence: missense variant.
Genome position (GRCh38, 1-based): chr16:2,084,627, T>G. VCF-style: chr16-2084627-T-G. GRCh37 (hg19) VCF-style: chr16-2134628-T-G.
Other names: c.4204T>G, p.Ser1402Ala (NM_001077183.3); c.4336T>G, p.Ser1446Ala (NM_001114382.3); c.4096T>G, p.Ser1366Ala (NM_001318827.2); c.4060T>G, p.Ser1354Ala (NM_001318829.2); c.3673T>G, p.Ser1225Ala (NM_001318831.2); c.4237T>G, p.Ser1413Ala (NM_001318832.2); c.4207T>G, p.Ser1403Ala (NM_001363528.2); c.4273T>G, p.Ser1425Ala (NM_001370404.1); and 1 more; short protein forms S1413A, S1225A, S1354A, S1366A, S1402A, S1403A, S1425A, S1426A.
Identifiers: ClinVar variation 843357 (VCV000843357.15), dbSNP rs907136617, ClinGen allele CA276753473.